The following is an entry in ClinVar:

ClinVar aggregate classification (germline): Uncertain significance (1 of 4 stars; one submission).

Conditions:
Inborn genetic diseases. Identifiers: MedGen C0950123, MeSH D030342.

Submission:

Ambry Genetics
Classification: Uncertain significance for Inborn genetic diseases. Last evaluated: 2023-10-01. Review status: criteria provided, single submitter. Criteria: Ambry Variant Classification Scheme 2023. Collection method: clinical testing. Allele origin: germline.
Comment: The p.H370R variant (also known as c.1109A>G), located in coding exon 10 of the ACD gene, results from an A to G substitution at nucleotide position 1109. The histidine at codon 370 is replaced by arginine, an amino acid with highly similar properties. This amino acid position is conserved. In addition, this alteration is predicted to be tolerated by in silico analysis. Since supporting evidence is limited at this time, the clinical significance of this alteration remains unclear.

NM_001082486.2(ACD):c.851A>G (p.His284Arg)

Gene: ACD (ACD shelterin complex subunit and telomerase recruitment factor; minus strand). Cytogenetic location: 16q22.1.
Variant type: single nucleotide variant.
Coding change: c.851A>G on transcript NM_001082486.2 (MANE Select); coding-DNA position 851, A replaced by G.
Protein change: p.His284Arg; replaces histidine 284 with arginine.
Molecular consequence: missense variant.
Genome position (GRCh38, 1-based): chr16:67,658,341, T>C on the plus strand (A>G on the coding strand, the complement: ACD is on the minus strand). VCF-style: chr16-67658341-T-C. GRCh37 (hg19) VCF-style: chr16-67692244-T-C.
Other names: c.764A>G, p.His255Arg (NM_001410884.1); c.842A>G, p.His281Arg (NM_022914.3); short protein forms H255R, H281R, H284R.
Identifiers: ClinVar variation 3232631 (VCV003232631.1), dbSNP rs2543599795, ClinGen allele CA396352999.